The following is an entry in ClinVar:

NM_174978.3(C14orf39):c.1154_1157del (p.Val385fs)

Gene: C14orf39 (chromosome 14 open reading frame 39; minus strand). Cytogenetic location: 14q23.1.
Variant type: Deletion.
Coding change: c.1154_1157del on transcript NM_174978.3 (MANE Select); coding-DNA positions 1154 to 1157, 4 bases deleted (TAAG; older notation c.1154_1157delTAAG).
Protein change: p.Val385fs; shifts the reading frame from valine 385.
Molecular consequence: frameshift variant.
Genome position (GRCh38, 1-based): chr14:60,458,700-60,458,703, CTTA deleted on the plus strand (TAAG on the coding strand, the reverse complement: C14orf39 is on the minus strand); deleting any 4 consecutive bases within chr14:60,458,700-60,458,706 gives the same sequence; the c. name uses the placement nearest the transcript's 3' end. VCF-style (leftmost placement, unchanged base first): chr14-60458699-TCTTA-T. GRCh37 (hg19) VCF-style: chr14-60925417-TCTTA-T.
Other names: C14ORF39, 4-BP DEL, 1154TAAG; short protein forms V385fs.
Identifiers: ClinVar variation 4796760 (VCV004796760.2).

ClinVar aggregate classification (germline): Likely pathogenic. Review status: criteria provided, single submitter (1 of 4 stars). 2 submissions from 2 submitters: Likely pathogenic (1). 1 of the submissions does not count toward it. Last evaluated 2025-08-01.

Conditions:
Premature ovarian failure 18. Identifiers: MedGen C5543095, MONDO:0030939, OMIM 619203.
Spermatogenic failure 52. Identifiers: MedGen C5543094, MONDO:0030938, OMIM 619202.

Submissions (2):

First Genomix Gene Laboratory, Genetic Diagnostics Department
Classification: Likely pathogenic for Premature ovarian failure 18; Spermatogenic failure 52. Last evaluated: 2025-08-01. Review status: criteria provided, single submitter. Criteria: ACMG Guidelines, 2015. Collection method: clinical testing. Allele origin: germline. Inheritance: Autosomal recessive inheritance. Affected: no. Observed: 1 variant allele.

OMIM
Classification: Pathogenic for PREMATURE OVARIAN FAILURE 18. Last evaluated: 2026-02-26. Review status: no assertion criteria provided. Collection method: literature only. Allele origin: germline. Not counted in ClinVar's aggregate classification.

Literature cited by the submitters: PubMed 40936058 (cited by OMIM).